The following is an entry in ClinVar:

NM_002470.4(MYH3):c.2216G>A (p.Ser739Asn)

Gene: MYH3 (myosin heavy chain 3; minus strand). Cytogenetic location: 17p13.1.
Variant type: single nucleotide variant.
Coding change: c.2216G>A on transcript NM_002470.4 (MANE Select); coding-DNA position 2216, G replaced by A.
Protein change: p.Ser739Asn; replaces serine 739 with asparagine.
Molecular consequence: missense variant.
Genome position (GRCh38, 1-based): chr17:10,640,636, C>T on the plus strand (G>A on the coding strand, the complement: MYH3 is on the minus strand). VCF-style: chr17-10640636-C-T. GRCh37 (hg19) VCF-style: chr17-10543953-C-T.
Other names: short protein forms S739N.
Identifiers: ClinVar variation 2778606 (VCV002778606.3), dbSNP rs1344155047, ClinGen allele CA398165354.

ClinVar aggregate classification (germline): Uncertain significance (1 of 4 stars; one submission).

Allele frequency attached by ClinVar (database versions not stated): gnomAD exomes 0.00001.
gnomAD v4.1: 3 of 1,614,192 alleles (0.00019%); highest among the groups gnomAD compares: Non-Finnish European, 0.00025%; no homozygotes.

Submission:

Labcorp Genetics (formerly Invitae), Labcorp
Classification: Uncertain significance. Last evaluated: 2023-08-29. Review status: criteria provided, single submitter. Criteria: Invitae Variant Classification Sherloc (09022015). Collection method: clinical testing. Allele origin: germline.
Comment: This variant has not been reported in the literature in individuals affected with MYH3-related conditions. This variant is present in population databases (no rsID available, gnomAD 0.002%). This sequence change replaces serine, which is neutral and polar, with asparagine, which is neutral and polar, at codon 739 of the MYH3 protein (p.Ser739Asn). In summary, the available evidence is currently insufficient to determine the role of this variant in disease. Therefore, it has been classified as a Variant of Uncertain Significance. Advanced modeling of protein sequence and biophysical properties (such as structural, functional, and spatial information, amino acid conservation, physicochemical variation, residue mobility, and thermodynamic stability) performed at Invitae indicates that this missense variant is not expected to disrupt MYH3 protein function.